The following is an entry in ClinVar:

NM_000823.4(GHRHR):c.556del (p.Leu186fs)

Gene: GHRHR (growth hormone releasing hormone receptor; plus strand). Cytogenetic location: 7p14.3.
Variant type: Deletion.
Coding change: c.556del on transcript NM_000823.4 (MANE Select); coding-DNA position 556, one base deleted (C; older notation c.556delC).
Protein change: p.Leu186fs; shifts the reading frame from leucine 186.
Molecular consequence: frameshift variant.
Genome position (GRCh38, 1-based): chr7:30,972,054, C deleted; the last of 3 consecutive C bases (chr7:30,972,052-30,972,054); deleting any one gives the same sequence. VCF-style (leftmost placement, unchanged base first): chr7-30972051-GC-G. GRCh37 (hg19) VCF-style: chr7-31011666-GC-G.
Other names: short protein forms L186fs.
Identifiers: ClinVar variation 5007207 (VCV005007207.2).

ClinVar aggregate classification (germline): Likely pathogenic (1 of 4 stars; one submission).

Conditions:
Isolated growth hormone deficiency, type 4. Also called: ISOLATED GROWTH HORMONE DEFICIENCY, TYPE IV; DWARFISM OF SINDH. Identifiers: Orphanet 684247, MedGen C4722273, MONDO:0032567, OMIM 618157.

Submission:

Juno Genomics, Hangzhou Juno Genomics, Inc
Classification: Likely pathogenic for Isolated growth hormone deficiency, type 4. Review status: criteria provided, single submitter. Criteria: ACMG Guidelines, 2015. Collection method: clinical testing. Allele origin: germline.
Comment: Null variant in a gene where loss of function (LOF) is a known mechanism of disease.;Absent from controls (or at extremely low frequency if recessive) in Genome Aggregation Database.